The following is an entry in ClinVar:

ClinVar aggregate classification (germline): Uncertain significance. Review status: criteria provided, multiple submitters, no conflicts (2 of 4 stars). 2 submissions from 2 submitters: Uncertain significance (2). Last evaluated 2025-05-22.

Conditions:
ZNF292-related disorder. Also called: ZNF292-related condition.

Allele frequency attached by ClinVar (database versions not stated): gnomAD exomes below 0.00001; gnomAD 0.00001; ExAC 0.00002; TOPMed 0.00003.
gnomAD v4.1: 4 of 1,610,506 alleles (0.00025%); highest among the groups gnomAD compares: African/African-American, 0.0053%; no homozygotes.

Submissions (2):

PreventionGenetics, part of Exact Sciences
Classification: Uncertain significance for ZNF292-related condition. Last evaluated: 2025-05-22. Review status: criteria provided, single submitter. Criteria: ACMG Guidelines, 2015. Collection method: clinical testing. Allele origin: germline.
Comment: The ZNF292 c.7264A>G variant is predicted to result in the amino acid substitution p.Asn2422Asp. To our knowledge, this variant has not been reported in the literature. This variant is reported in 0.0085% of alleles in individuals of African descent in gnomAD. At this time, the clinical significance of this variant is uncertain due to the absence of conclusive functional and genetic evidence.

Women's Health and Genetics/Laboratory Corporation of America, LabCorp
Classification: Uncertain significance. Last evaluated: 2023-10-27. Review status: criteria provided, single submitter. Criteria: LabCorp Variant Classification Summary - May 2015. Collection method: clinical testing. Allele origin: germline.
Comment: Variant summary: ZNF292 c.7264A>G (p.Asn2422Asp) results in a conservative amino acid change in the encoded protein sequence. Five of five in-silico tools predict a benign effect of the variant on protein function. The variant allele was found at a frequency of 4.1e-06 in 241938 control chromosomes. The available data on variant occurrences in the general population are insufficient to allow any conclusion about variant significance. To our knowledge, no occurrence of c.7264A>G in individuals affected with Autosomal Dominant Intellectual Developmental Disorder 64 and no experimental evidence demonstrating its impact on protein function have been reported. No submitters have cited clinical-significance assessments for this variant to ClinVar after 2014. Based on the evidence outlined above, the variant was classified as uncertain significance.

NM_015021.3(ZNF292):c.7264A>G (p.Asn2422Asp)

Gene: ZNF292 (zinc finger protein 292; plus strand). Cytogenetic location: 6q14.3.
Variant type: single nucleotide variant.
Coding change: c.7264A>G on transcript NM_015021.3 (MANE Select); coding-DNA position 7264, A replaced by G.
Protein change: p.Asn2422Asp; replaces asparagine 2422 with aspartic acid.
Molecular consequence: missense variant.
Genome position (GRCh38, 1-based): chr6:87,260,893, A>G. VCF-style: chr6-87260893-A-G. GRCh37 (hg19) VCF-style: chr6-87970611-A-G.
Other names: c.6844A>G, p.Asn2282Asp (NM_001351444.2); c.7264A>G (NM_015021.1); short protein forms N2282D, N2422D.
Identifiers: ClinVar variation 2637526 (VCV002637526.2), dbSNP rs756541832, ClinGen allele CA3914757.